The following is an entry in ClinVar:

ClinVar aggregate classification (germline): Conflicting classifications of pathogenicity. Review status: criteria provided, conflicting classifications (1 of 4 stars). 3 submissions from 3 submitters: Pathogenic (1); Uncertain significance (2). Last evaluated 2022-10-19.

Conditions:
Nijmegen breakage syndrome-like disorder (NBSLD). Also called: MICROCEPHALY AND SPONTANEOUS CHROMOSOME INSTABILITY WITHOUT IMMUNODEFICIENCY; NBS-LIKE DISORDER; RAD50 DEFICIENCY. Identifiers: Orphanet 240760, MedGen C2751318, MONDO:0013118, OMIM 613078.
Hereditary cancer-predisposing syndrome. Also called: Hereditary Cancer Syndrome; Neoplastic Syndromes, Hereditary; Tumor predisposition; Hereditary neoplastic syndrome. Identifiers: Orphanet 140162, MedGen C0027672, MeSH D009386, MONDO:0015356.

Submissions (3):

Labcorp Genetics (formerly Invitae), Labcorp
Classification: Uncertain significance for Hereditary cancer-predisposing syndrome. Last evaluated: 2022-10-19. Review status: criteria provided, single submitter. Criteria: Invitae Variant Classification Sherloc (09022015). Collection method: clinical testing. Allele origin: germline.
Comment: In summary, the available evidence is currently insufficient to determine the role of this variant in disease. Therefore, it has been classified as a Variant of Uncertain Significance. Experimental studies and prediction algorithms are not available or were not evaluated, and the functional significance of this variant is currently unknown. ClinVar contains an entry for this variant (Variation ID: 480403). This variant is also known as c.1631_1635+1del. This variant has not been reported in the literature in individuals affected with RAD50-related conditions. This variant is present in population databases (no rsID available, gnomAD 0.06%). This variant, c.1630_1635del, results in the deletion of 2 amino acid(s) of the RAD50 protein (p.Asp544_Lys545del), but otherwise preserves the integrity of the reading frame.

Ambry Genetics
Classification: Uncertain significance for Hereditary cancer-predisposing syndrome. Last evaluated: 2021-09-10. Review status: criteria provided, single submitter. Criteria: Ambry Variant Classification Scheme 2023. Collection method: clinical testing. Allele origin: germline.
Comment: The c.1631_1635+1delACAAAG variant is located between coding exon 10 and intron 10 of the RAD50 gene. This variant results from a deletion of 6 nucleotides at positions 1631 to 1635+1. This deletion includes the canonical splice donor site, which makes it likely to have some effect on normal mRNA splicing. These nucleotide positions are generally well conserved in available vertebrate species. In silico splice site analysis predicts that this alteration will result in the creation or strengthening of a novel splice donor site. RNA studies have demonstrated that this alteration results in a transcript predicted to lead to a protein with an in-frame deletion of two amino acids; however, the exact functional impact of the deleted amino acids are unknown at this time (Ambry internal data). Since supporting evidence is limited at this time, the clinical significance of this alteration remains unclear.

Revvity Omics, Revvity
Classification: Pathogenic for Nijmegen breakage syndrome-like disorder. Last evaluated: 2019-07-14. Review status: criteria provided, single submitter. Criteria: ACMG Guidelines, 2015. Collection method: clinical testing. Allele origin: germline.

NM_005732.4(RAD50):c.1631_1635+1del

Gene: RAD50 (RAD50 double strand break repair protein; plus strand). Cytogenetic location: 5q31.1.
Variant type: Deletion.
Coding change: c.1631_1635+1del on transcript NM_005732.4 (MANE Select); coding-DNA position 1631 through the canonical splice donor site of the intron after coding-DNA position 1635, 6 bases deleted (ACAAAG; older notation c.1631_1635+1delACAAAG).
Molecular consequence: splice donor variant.
Genome position (GRCh38, 1-based): chr5:132,591,402-132,591,407, ACAAAG deleted; deleting any 6 consecutive bases within chr5:132,591,397-132,591,407 gives the same sequence; the c. name uses the placement nearest the transcript's 3' end. VCF-style (leftmost placement, unchanged base first): chr5-132591396-CCAAAGA-C. GRCh37 (hg19) VCF-style: chr5-131927088-CCAAAGA-C.
Other names: c.1631_1635+1del (NM_005732.3).
Identifiers: ClinVar variation 480403 (VCV000480403.16), dbSNP rs1235022794, ClinGen allele CA563057472.
Genomic context (GRCh38, chr5:132,591,396, plus strand): 5'-ACCAGGAGATGGAGCAGTTAAACCATCATACAACAACACGTACCCAAATGGAGATGCTGA[CCAAAGA>C]CAAAGTATGATTTTTCTTTTTGTTCTAATTATACTGTCTGGTACTTAAAATAGCCTACCT-3'